The following is an entry in ClinVar:

ClinVar aggregate classification (germline): Uncertain significance. Review status: criteria provided, multiple submitters, no conflicts (2 of 4 stars). 2 submissions from 2 submitters: Uncertain significance (2). Last evaluated 2024-02-07.

Conditions:
Inborn genetic diseases. Identifiers: MedGen C0950123, MeSH D030342.
Hereditary sensory and autonomic neuropathy type 6. Also called: HSAN VI; Neuropathy, hereditary sensory and autonomic, type VI. Identifiers: Orphanet 314381, MedGen C3539003, MONDO:0013839, OMIM 614653.
Epidermolysis bullosa simplex 3, localized or generalized intermediate, with BP230 deficiency (EBS3). Also called: Epidermolysis bullosa simplex due to BP230 deficiency; Epidermolysis bullosa simplex, autosomal recessive 2. Identifiers: Orphanet 412181, MedGen C3809470, MONDO:0014180, OMIM 615425.

Allele frequency attached by ClinVar (database versions not stated): gnomAD exomes 0.00002 and 0.00007; ExAC 0.00011; ESP Exome Variant Server 0.00025; gnomAD 0.00029 and 0.00031; 1000 Genomes Project 30x 0.00031; TOPMed 0.00032; 1000 Genomes Project 0.00040.
gnomAD v4.1: 74 of 1,612,626 alleles (0.0046%); highest among the groups gnomAD compares: African/African-American, 0.091%; no homozygotes.

Submissions (2):

Labcorp Genetics (formerly Invitae), Labcorp
Classification: Uncertain significance for Epidermolysis bullosa simplex 3, localized or generalized intermediate, with BP230 deficiency; Hereditary sensory and autonomic neuropathy type 6. Last evaluated: 2024-02-07. Review status: criteria provided, single submitter. Criteria: Invitae Variant Classification Sherloc (09022015). Collection method: clinical testing. Allele origin: germline.
Comment: The DST gene has multiple clinically relevant transcripts. This variant occurs in alternate transcript NM_015548.4, and corresponds to NM_001723.5:c.*46971A>T in the primary transcript. This sequence change replaces asparagine, which is neutral and polar, with isoleucine, which is neutral and non-polar, at codon 2020 of the DST protein (p.Asn2020Ile). This variant is present in population databases (rs147895709, gnomAD 0.08%). This variant has not been reported in the literature in individuals affected with DST-related conditions. ClinVar contains an entry for this variant (Variation ID: 1020094). Experimental studies and prediction algorithms are not available or were not evaluated, and the functional significance of this variant is currently unknown. In summary, the available evidence is currently insufficient to determine the role of this variant in disease. Therefore, it has been classified as a Variant of Uncertain Significance.

Ambry Genetics
Classification: Uncertain significance for Inborn genetic diseases. Last evaluated: 2021-04-27. Review status: criteria provided, single submitter. Criteria: Ambry Variant Classification Scheme 2023. Collection method: clinical testing. Allele origin: germline.
Comment: The p.N2524I variant (also known as c.7571A>T), located in coding exon 49 of the DST gene, results from an A to T substitution at nucleotide position 7571. The asparagine at codon 2524 is replaced by isoleucine, an amino acid with dissimilar properties. This amino acid position is not well conserved in available vertebrate species. In addition, this alteration is predicted to be tolerated by in silico analysis. Since supporting evidence is limited at this time, the clinical significance of this alteration remains unclear.

NM_001374736.1(DST):c.13928A>T (p.Asn4643Ile)

Gene: DST (dystonin; minus strand). Cytogenetic location: 6p12.1.
Variant type: single nucleotide variant.
Coding change: c.13928A>T on transcript NM_001374736.1 (MANE Select); coding-DNA position 13928, A replaced by T.
Protein change: p.Asn4643Ile; replaces asparagine 4643 with isoleucine.
Molecular consequence: missense variant.
Genome position (GRCh38, 1-based): chr6:56,568,546, T>A on the plus strand (A>T on the coding strand, the complement: DST is on the minus strand). VCF-style: chr6-56568546-T-A. GRCh37 (hg19) VCF-style: chr6-56433344-T-A.
Other names: c.6059A>T (NM_015548.4); c.7571A>T, p.Asn2524Ile (NM_001144769.5); c.7157A>T, p.Asn2386Ile (NM_001144770.2); c.13928A>T, p.Asn4643Ile (NM_001374722.1); c.13295A>T, p.Asn4432Ile (NM_001374729.1); c.7037A>T, p.Asn2346Ile (NM_001374730.1, NM_001386100.1, NM_183380.4); c.13955A>T, p.Asn4652Ile (NM_001374734.1); c.6059A>T, p.Asn2020Ile (NM_015548.5); short protein forms N2020I, N2346I, N2386I, N2524I, N4432I, N4643I, N4652I.
Identifiers: ClinVar variation 1020094 (VCV001020094.9), dbSNP rs147895709, ClinGen allele CA3868139.